The following is an entry in ClinVar:

ClinVar aggregate classification (germline): Likely pathogenic (1 of 4 stars; one submission).

Conditions:
Developmental and epileptic encephalopathy, 78. Also called: EPILEPTIC ENCEPHALOPATHY, EARLY INFANTILE, 78. Identifiers: MedGen C5231409, MONDO:0032812, OMIM 618557.

Submission:

Pediatric Neurology, Shengjing Hospital of China Medical University
Classification: Likely pathogenic for Developmental and epileptic encephalopathy, 78. Review status: criteria provided, single submitter. Criteria: ACMG Guidelines, 2015. Collection method: clinical testing. Allele origin: de novo. Inheritance: Autosomal dominant inheritance. Affected: yes. Observed: 1 heterozygote.
Comment: This variant has not been reported in ClinVar. The minor allele frequency (MAF) of this variant is less than 0.0005, classifying it as a low-frequency variant (PM2), and conservation as well as protein structure prediction software predict that the variant has an impact on the gene (PP3).

NM_000807.4(GABRA2):c.644T>C (p.Leu215Ser)

Gene: GABRA2 (gamma-aminobutyric acid type A receptor subunit alpha2; minus strand). Cytogenetic location: 4p12.
Variant type: single nucleotide variant.
Coding change: c.644T>C on transcript NM_000807.4 (MANE Select); coding-DNA position 644, T replaced by C.
Protein change: p.Leu215Ser; replaces leucine 215 with serine.
Molecular consequence: missense variant.
Genome position (GRCh38, 1-based): chr4:46,305,627, A>G on the plus strand (T>C on the coding strand, the complement: GABRA2 is on the minus strand). VCF-style: chr4-46305627-A-G. GRCh37 (hg19) VCF-style: chr4-46307644-A-G.
Other names: c.644T>C, p.Leu215Ser (NM_001114175.3, NM_001330690.2, NM_001377144.1 and 8 more transcripts); c.479T>C, p.Leu160Ser (NM_001286827.3, NM_001377152.1, NM_001377153.1 and 1 more transcripts); short protein forms L160S, L215S.
Identifiers: ClinVar variation 3338106 (VCV003338106.1).